The following is an entry in ClinVar:

NM_004260.4(RECQL4):c.3154T>G (p.Cys1052Gly)

Gene: RECQL4 (RecQ like helicase 4; minus strand). Cytogenetic location: 8q24.3.
Variant type: single nucleotide variant.
Coding change: c.3154T>G on transcript NM_004260.4 (MANE Select); coding-DNA position 3154, T replaced by G.
Protein change: p.Cys1052Gly; replaces cysteine 1052 with glycine.
Molecular consequence: missense variant. On other transcripts: non-coding transcript variant (3).
Genome position (GRCh38, 1-based): chr8:144,512,226, A>C on the plus strand (T>G on the coding strand, the complement: RECQL4 is on the minus strand). VCF-style: chr8-144512226-A-C. GRCh37 (hg19) VCF-style: chr8-145737609-A-C.
Other names: c.2860T>G, p.Cys954Gly (NM_001413017.1); c.2956T>G, p.Cys986Gly (NM_001413018.1); c.3229T>G, p.Cys1077Gly (NM_001413019.1); c.3058T>G, p.Cys1020Gly (NM_001413020.1); c.2083T>G, p.Cys695Gly (NM_001413021.1, NM_001413022.1, NM_001413024.1 and 4 more transcripts); c.2158T>G, p.Cys720Gly (NM_001413023.1); c.3025T>G, p.Cys1009Gly (NM_001413025.1); c.2017T>G, p.Cys673Gly (NM_001413027.1, NM_001413030.1, NM_001413032.1); and 9 more; short protein forms C1020G, C563G, C629G, C720G, C954G, C986G, C1008G, C1042G.
Identifiers: ClinVar variation 2911326 (VCV002911326.3), dbSNP rs573929442, ClinGen allele CA372670199.
Genomic context (GRCh38, chr8:144,512,226, plus strand): 5'-TGCGCAGACGGGCCAGGGCCTGGCGCTCCCGGGCCTGCACACGGCCATAGAGGAAGTCAC[A>C]TATCTGGTCCTTCTCCTCAGCGGTCAAGTCCCCCGGGCTGCGAAGGTGGAAGGCCAGCTC-3'
Protein context (NP_004251.4, residues 1042-1062): DLTAEEKDQI[Cys1052Gly]DFLYGRVQAR

ClinVar aggregate classification (germline): Uncertain significance (1 of 4 stars; one submission).

Conditions:
Baller-Gerold syndrome (BGS). Also called: CRANIOSYNOSTOSIS WITH RADIAL DEFECTS. Identifiers: Orphanet 1225, MedGen C0265308, MONDO:0009039, OMIM 218600.

Submission:

Labcorp Genetics (formerly Invitae), Labcorp
Classification: Uncertain significance for Baller-Gerold syndrome. Last evaluated: 2023-07-15. Review status: criteria provided, single submitter. Criteria: Invitae Variant Classification Sherloc (09022015). Collection method: clinical testing. Allele origin: germline.
Comment: This variant has not been reported in the literature in individuals affected with RECQL4-related conditions. Advanced modeling of protein sequence and biophysical properties (such as structural, functional, and spatial information, amino acid conservation, physicochemical variation, residue mobility, and thermodynamic stability) performed at Invitae indicates that this missense variant is not expected to disrupt RECQL4 protein function. Algorithms developed to predict the effect of sequence changes on RNA splicing suggest that this variant may create or strengthen a splice site. In summary, the available evidence is currently insufficient to determine the role of this variant in disease. Therefore, it has been classified as a Variant of Uncertain Significance. This variant is not present in population databases (gnomAD no frequency). This sequence change replaces cysteine, which is neutral and slightly polar, with glycine, which is neutral and non-polar, at codon 1052 of the RECQL4 protein (p.Cys1052Gly).